The following is an entry in ClinVar:

NM_018206.6(VPS35):c.506+4A>C

Gene: VPS35 (VPS35 retromer complex component; minus strand). Cytogenetic location: 16q11.2.
Variant type: single nucleotide variant.
Coding change: c.506+4A>C on transcript NM_018206.6 (MANE Select); 4 bases into the intron after coding-DNA position 506, A replaced by C.
Molecular consequence: intron variant.
Genome position (GRCh38, 1-based): chr16:46,680,667, T>G on the plus strand (A>C on the coding strand, the complement: VPS35 is on the minus strand). VCF-style: chr16-46680667-T-G. GRCh37 (hg19) VCF-style: chr16-46714579-T-G.
Identifiers: ClinVar variation 960311 (VCV000960311.9), dbSNP rs760012192, ClinGen allele CA8037049.
Genomic context (GRCh38, chr16:46,680,667, plus strand): 5'-ACACTTTTATACATTCTACAATGAAAGAAATATTGCAACAAAATTAAGAAAGAAAATCAC[T>G]TACTCTGTTGGCTCTCCTTCATCAGGTAAGATATTTCTGGTACACTGAAGAAGGTAATTT-3'

ClinVar aggregate classification (germline): Uncertain significance (1 of 4 stars; one submission).

Conditions:
Parkinson disease 17 (PARK17). Also called: VPS35-Related Parkinson Disease. Identifiers: Orphanet 411602, MedGen C3280133, MONDO:0013625, OMIM 614203.

Allele frequency attached by ClinVar (database versions not stated): gnomAD exomes 0.00001 and 0.00003; ExAC 0.00002.
gnomAD v4.1: 11 of 1,613,500 alleles (0.00068%); highest among the groups gnomAD compares: Admixed American, 0.018%; no homozygotes.

Submission:

Labcorp Genetics (formerly Invitae), Labcorp
Classification: Uncertain significance for Parkinson disease 17. Last evaluated: 2019-09-21. Review status: criteria provided, single submitter. Criteria: Invitae Variant Classification Sherloc (09022015). Collection method: clinical testing. Allele origin: germline.
Comment: This sequence change falls in intron 5 of the VPS35 gene. It does not directly change the encoded amino acid sequence of the VPS35 protein, but it affects a nucleotide within the consensus splice site of the intron. Nucleotide substitutions within the consensus splice site are a relatively common cause of aberrant splicing (PMID: 17576681, 9536098). Algorithms developed to predict the effect of sequence changes on RNA splicing suggest that this variant may disrupt the consensus splice site, but this prediction has not been confirmed by published transcriptional studies. This variant is present in population databases (rs760012192, ExAC 0.02%). In summary, the available evidence is currently insufficient to determine the role of this variant in disease. Therefore, it has been classified as a Variant of Uncertain Significance.

Literature cited by the submitters: PubMed 17576681; PubMed 9536098.